The following is an entry in ClinVar:

ClinVar aggregate classification (germline): Uncertain significance (1 of 4 stars; one submission).

Conditions:
Hereditary cancer-predisposing syndrome. Also called: Tumor predisposition; Hereditary neoplastic syndrome; Hereditary Cancer Syndrome; Neoplastic Syndromes, Hereditary. Identifiers: Orphanet 140162, MedGen C0027672, MeSH D009386, MONDO:0015356.

Submission:

Ambry Genetics
Classification: Uncertain significance for Hereditary cancer-predisposing syndrome. Last evaluated: 2023-10-01. Review status: criteria provided, single submitter. Criteria: Ambry Variant Classification Scheme 2023. Collection method: clinical testing. Allele origin: germline.
Comment: The p.N445H variant (also known as c.1333A>C), located in coding exon 6 of the ALK gene, results from an A to C substitution at nucleotide position 1333. The asparagine at codon 445 is replaced by histidine, an amino acid with similar properties. This amino acid position is conserved. In addition, the in silico prediction for this alteration is inconclusive. Since supporting evidence is limited at this time, the clinical significance of this alteration remains unclear.

NM_004304.5(ALK):c.1333A>C (p.Asn445His)

Gene: ALK (ALK receptor tyrosine kinase; minus strand). Cytogenetic location: 2p23.2.
Variant type: single nucleotide variant.
Coding change: c.1333A>C on transcript NM_004304.5 (MANE Select); coding-DNA position 1333, A replaced by C.
Protein change: p.Asn445His; replaces asparagine 445 with histidine.
Molecular consequence: missense variant.
Genome position (GRCh38, 1-based): chr2:29,328,431, T>G on the plus strand (A>C on the coding strand, the complement: ALK is on the minus strand). VCF-style: chr2-29328431-T-G. GRCh37 (hg19) VCF-style: chr2-29551297-T-G.
Other names: short protein forms N445H.
Identifiers: ClinVar variation 3223791 (VCV003223791.1), dbSNP rs2465459576, ClinGen allele CA346474382.
Genomic context (GRCh38, chr2:29,328,431, plus strand): 5'-CTCCCTGGGCACAGTCCTGGTGGAAGTCACAGGCCTGCCCAAGCTGGAGGACTGTCCCAT[T>G]CCAACAAGTGAAGGAGCTCTGCAGGGCCATCTTGGAGCCTGGGGATGTTCCTGGAGAGCA-3'
Protein context (NP_004295.2, residues 435-455): MALQSSFTCW[Asn445His]GTVLQLGQAC